The following is an entry in ClinVar:

NM_000245.4(MET):c.3589A>T (p.Ser1197Cys)

Gene: MET (MET proto-oncogene, receptor tyrosine kinase; plus strand). Cytogenetic location: 7q31.2.
Variant type: single nucleotide variant.
Coding change: c.3589A>T on transcript NM_000245.4 (MANE Select); coding-DNA position 3589, A replaced by T.
Protein change: p.Ser1197Cys; replaces serine 1197 with cysteine.
Molecular consequence: missense variant.
Genome position (GRCh38, 1-based): chr7:116,782,054, A>T. VCF-style: chr7-116782054-A-T. GRCh37 (hg19) VCF-style: chr7-116422108-A-T.
Other names: c.3643A>T, p.Ser1215Cys (NM_001127500.3); c.2299A>T, p.Ser767Cys (NM_001324402.2); c.3643A>T (NM_001127500.1); short protein forms S1215C, S767C, S1197C.
Identifiers: ClinVar variation 1509718 (VCV001509718.9), dbSNP rs2117060265, ClinGen allele CA368991100.

ClinVar aggregate classification (germline): Uncertain significance. Review status: criteria provided, multiple submitters, no conflicts (2 of 4 stars). 2 submissions from 2 submitters: Uncertain significance (2). Last evaluated 2024-05-10.

Conditions:
Renal cell carcinoma. Identifiers: Orphanet 217071, MedGen C0007134, MeSH D002292, MONDO:0005086, HP:0005584.
Hereditary cancer-predisposing syndrome. Also called: Hereditary neoplastic syndrome; Neoplastic Syndromes, Hereditary; Tumor predisposition; Hereditary Cancer Syndrome. Identifiers: Orphanet 140162, MedGen C0027672, MeSH D009386, MONDO:0015356.

Submissions (2):

Ambry Genetics
Classification: Uncertain significance for Hereditary cancer-predisposing syndrome. Last evaluated: 2024-05-10. Review status: criteria provided, single submitter. Criteria: Ambry Variant Classification Scheme 2023. Collection method: clinical testing. Allele origin: germline.
Comment: The p.S1215C variant (also known as c.3643A>T), located in coding exon 17 of the MET gene, results from an A to T substitution at nucleotide position 3643. The serine at codon 1215 is replaced by cysteine, an amino acid with dissimilar properties. This amino acid position is conserved. In addition, the in silico prediction for this alteration is inconclusive. Based on the available evidence, the clinical significance of this variant remains unclear.

Labcorp Genetics (formerly Invitae), Labcorp
Classification: Uncertain significance for Renal cell carcinoma. Last evaluated: 2020-12-20. Review status: criteria provided, single submitter. Criteria: Invitae Variant Classification Sherloc (09022015). Collection method: clinical testing. Allele origin: germline.
Comment: In summary, the available evidence is currently insufficient to determine the role of this variant in disease. Therefore, it has been classified as a Variant of Uncertain Significance. Algorithms developed to predict the effect of missense changes on protein structure and function are either unavailable or do not agree on the potential impact of this missense change (SIFT: "Deleterious"; PolyPhen-2: "Probably Damaging"; Align-GVGD: "Class C15"). This variant has not been reported in the literature in individuals with MET-related conditions. This variant is not present in population databases (ExAC no frequency). This sequence change replaces serine with cysteine at codon 1215 of the MET protein (p.Ser1215Cys). The serine residue is highly conserved and there is a moderate physicochemical difference between serine and cysteine.